The following is an entry in ClinVar:

ClinVar aggregate classification (germline): Uncertain significance. Review status: criteria provided, multiple submitters, no conflicts (2 of 4 stars). 2 submissions from 2 submitters: Uncertain significance (2). Last evaluated 2024-03-08.

Conditions:
Inborn genetic diseases. Identifiers: MedGen C0950123, MeSH D030342.

Allele frequency attached by ClinVar (database versions not stated): TOPMed 0.00001; ExAC 0.00002; gnomAD exomes 0.00002.

Submissions (2):

Ambry Genetics
Classification: Uncertain significance for Inborn genetic diseases. Last evaluated: 2024-03-08. Review status: criteria provided, single submitter. Criteria: Ambry Variant Classification Scheme 2023. Collection method: clinical testing. Allele origin: germline.

Laboratory for Molecular Medicine, Mass General Brigham Personalized Medicine
Classification: Uncertain significance. Last evaluated: 2014-05-15. Review status: criteria provided, single submitter. Criteria: LMM Criteria. Collection method: clinical testing. Allele origin: germline. Observed: 1 variant allele.
Comment: The Met1480Ile variant in OTOF has not been previously reported in individuals w ith hearing loss or in large population studies. Computational prediction tools and conservation analyses do not provide strong support for or against an impac t to the protein. In summary, the clinical significance of the Met1480Ile varian t is uncertain.

NM_194248.3(OTOF):c.4440G>T (p.Met1480Ile)

Gene: OTOF (otoferlin; minus strand). Cytogenetic location: 2p23.3.
Variant type: single nucleotide variant.
Coding change: c.4440G>T on transcript NM_194248.3 (MANE Select); coding-DNA position 4440, G replaced by T.
Protein change: p.Met1480Ile; replaces methionine 1480 with isoleucine.
Molecular consequence: missense variant.
Genome position (GRCh38, 1-based): chr2:26,466,774, C>A on the plus strand (G>T on the coding strand, the complement: OTOF is on the minus strand). VCF-style: chr2-26466774-C-A. GRCh37 (hg19) VCF-style: chr2-26689642-C-A.
Other names: c.4440G>T, p.Met1480Ile (NM_001287489.2); c.2139G>T, p.Met713Ile (NM_004802.4, NM_194323.3); c.2370G>T, p.Met790Ile (NM_194322.3); short protein forms M1480I, M713I, M790I.
Identifiers: ClinVar variation 164844 (VCV000164844.6), dbSNP rs727503354, ClinGen allele CA177543.
Genomic context (GRCh38, chr2:26,466,774, plus strand): 5'-CCGGACCACATAGACTCGGACCAGCACATTGATGGGGTCATTGCTCGGGATGCCCTGGAA[C>A]ATGCCGTAGGTGGAGTCGTAGCCGGCTTCCCGGGACACGTCCTCTGGGAGTGGCACTTTG-3'
Protein context (NP_919224.1, residues 1470-1490): REAGYDSTYG[Met1480Ile]FQGIPSNDPI